The following is an entry in ClinVar:

ClinVar aggregate classification (germline): Uncertain significance (1 of 4 stars; one submission).

Submission:

Labcorp Genetics (formerly Invitae), Labcorp
Classification: Uncertain significance. Last evaluated: 2025-12-17. Review status: criteria provided, single submitter. Criteria: Invitae Variant Classification Sherloc (09022015). Collection method: clinical testing. Allele origin: germline.
Comment: This sequence change replaces arginine, which is basic and polar, with glycine, which is neutral and non-polar, at codon 25 of the DSTYK protein (p.Arg25Gly). This variant is not present in population databases (gnomAD no frequency). This variant has not been reported in the literature in individuals affected with DSTYK-related conditions. An algorithm developed to predict the effect of missense changes on protein structure and function (PolyPhen-2) suggests that this variant is likely to be disruptive. In summary, the available evidence is currently insufficient to determine the role of this variant in disease. Therefore, it has been classified as a Variant of Uncertain Significance.

NM_015375.3(DSTYK):c.73C>G (p.Arg25Gly)

Gene: DSTYK (dual serine/threonine and tyrosine protein kinase; minus strand). Cytogenetic location: 1q32.1.
Variant type: single nucleotide variant.
Coding change: c.73C>G on transcript NM_015375.3 (MANE Select); coding-DNA position 73, C replaced by G.
Protein change: p.Arg25Gly; replaces arginine 25 with glycine.
Molecular consequence: missense variant.
Genome position (GRCh38, 1-based): chr1:205,211,463, G>C on the plus strand (C>G on the coding strand, the complement: DSTYK is on the minus strand). VCF-style: chr1-205211463-G-C. GRCh37 (hg19) VCF-style: chr1-205180591-G-C.
Other names: c.73C>G, p.Arg25Gly (NM_199462.3); short protein forms R25G.
Identifiers: ClinVar variation 4777789 (VCV004777789.1).